The following is an entry in ClinVar:

ClinVar aggregate classification (germline): Uncertain significance. Review status: criteria provided, multiple submitters, no conflicts (2 of 4 stars). 2 submissions from 2 submitters: Uncertain significance (2). Last evaluated 2024-03-08.

Conditions:
Cardiovascular phenotype. Identifiers: MedGen CN230736.
Catecholaminergic polymorphic ventricular tachycardia 1. Also called: RYR2-Related Catecholaminergic Polymorphic Ventricular Tachycardia; VENTRICULAR TACHYCARDIA, CATECHOLAMINERGIC POLYMORPHIC, 1, WITH OR WITHOUT ATRIAL DYSFUNCTION AND/OR DILATED CARDIOMYOPATHY; VENTRICULAR TACHYCARDIA, STRESS-INDUCED POLYMORPHIC 1. Identifiers: Orphanet 3286, MedGen C1631597, MONDO:0011484, OMIM 604772.

Submissions (2):

Labcorp Genetics (formerly Invitae), Labcorp
Classification: Uncertain significance for Catecholaminergic polymorphic ventricular tachycardia 1. Last evaluated: 2024-03-08. Review status: criteria provided, single submitter. Criteria: Invitae Variant Classification Sherloc (09022015). Collection method: clinical testing. Allele origin: germline.
Comment: This sequence change replaces alanine, which is neutral and non-polar, with valine, which is neutral and non-polar, at codon 2317 of the RYR2 protein (p.Ala2317Val). This variant is not present in population databases (gnomAD no frequency). This variant has not been reported in the literature in individuals affected with RYR2-related conditions. ClinVar contains an entry for this variant (Variation ID: 1002445). Advanced modeling of protein sequence and biophysical properties (such as structural, functional, and spatial information, amino acid conservation, physicochemical variation, residue mobility, and thermodynamic stability) performed at Invitae indicates that this missense variant is expected to disrupt RYR2 protein function with a positive predictive value of 95%. In summary, the available evidence is currently insufficient to determine the role of this variant in disease. Therefore, it has been classified as a Variant of Uncertain Significance.

Ambry Genetics
Classification: Uncertain significance for Cardiovascular phenotype. Last evaluated: 2022-09-07. Review status: criteria provided, single submitter. Criteria: Ambry Variant Classification Scheme 2023. Collection method: clinical testing. Allele origin: germline.
Comment: The p.A2317V variant (also known as c.6950C>T), located in coding exon 46 of the RYR2 gene, results from a C to T substitution at nucleotide position 6950. The alanine at codon 2317 is replaced by valine, an amino acid with similar properties. This alteration has been reported in a catecholaminergic polymorphic ventricular tachycardia (CPVT) genetic testing cohort; however, clinical details were limited (Kapplinger JD et al. Circ Genom Precis Med, 2018 02;11:e001424). This amino acid position is highly conserved in available vertebrate species. In addition, this alteration is predicted to be deleterious by in silico analysis. An alteration at the same amino acid, p.A2317E, was reported to occur de novo in a case of catecholaminergic polymorphic ventricular tachycardia (van der Werf C et al, Circ Arrhythm Electrophysiol 2012 Aug; 5(4):748-56). Since supporting evidence is limited at this time, the clinical significance of this alteration remains unclear.

Literature cited by the submitters: PubMed 22787013 (cited by Ambry Genetics); PubMed 29453246 (cited by Ambry Genetics).

NM_001035.3(RYR2):c.6950C>T (p.Ala2317Val)

Gene: RYR2 (ryanodine receptor 2; plus strand). Cytogenetic location: 1q43.
Variant type: single nucleotide variant.
Coding change: c.6950C>T on transcript NM_001035.3 (MANE Select); coding-DNA position 6950, C replaced by T.
Protein change: p.Ala2317Val; replaces alanine 2317 with valine.
Molecular consequence: missense variant.
Genome position (GRCh38, 1-based): chr1:237,639,036, C>T. VCF-style: chr1-237639036-C-T. GRCh37 (hg19) VCF-style: chr1-237802336-C-T.
Other names: short protein forms A2317V.
Identifiers: ClinVar variation 1002445 (VCV001002445.12), dbSNP rs794728750, ClinGen allele CA345395778.
Genomic context (GRCh38, chr1:237,639,036, plus strand): 5'-AATCATATTTGTTTACTTATCTTCCCCATTCTACTTTAGGGGAGAGTGTGGAGGAAAATG[C>T]AAATGTCGTGGTGAGATTGCTCATTCGGAGGCCTGAGTGTTTTGGTCCTGCTTTGAGAGG-3'
Protein context (NP_001026.2, residues 2307-2327): FCNGESVEEN[Ala2317Val]NVVVRLLIRR